The following is an entry in ClinVar:

NC_000004.11:g.(?_175413107)_(175443602_?)dup

Gene: HPGD (15-hydroxyprostaglandin dehydrogenase; minus strand). Cytogenetic location: 4q34.1.
Variant type: Duplication.
Identifiers: ClinVar variation 1525133 (VCV001525133.5).

ClinVar aggregate classification (germline): Uncertain significance (1 of 4 stars; one submission).

Submission:

Labcorp Genetics (formerly Invitae), Labcorp
Classification: Uncertain significance. Last evaluated: 2022-02-20. Review status: criteria provided, single submitter. Criteria: Invitae Variant Classification Sherloc (09022015). Collection method: clinical testing. Allele origin: germline.
Comment: In summary, the available evidence is currently insufficient to determine the role of this variant in disease. Therefore, it has been classified as a Variant of Uncertain Significance. This variant has not been reported in the literature in individuals affected with HPGD-related conditions. A copy number gain of the genomic region encompassing the full coding sequence of the HPGD gene has been identified. The boundaries of this event are unknown as they extend beyond the assayed region for this gene and therefore may encompass additional genes. As the precise location of this event is unknown, it may be in tandem or it may be located elsewhere in the genome.